The following is an entry in ClinVar:

NM_139055.4(ADAMTS15):c.2280C>T (p.Ser760=)

Gene: ADAMTS15 (ADAM metallopeptidase with thrombospondin type 1 motif 15; plus strand). Cytogenetic location: 11q24.3.
Variant type: single nucleotide variant.
Coding change: c.2280C>T on transcript NM_139055.4 (MANE Select); coding-DNA position 2280, C replaced by T.
Protein change: p.Ser760=; no amino-acid change (serine 760 retained).
Molecular consequence: synonymous variant.
Genome position (GRCh38, 1-based): chr11:130,473,248, C>T. VCF-style: chr11-130473248-C-T. GRCh37 (hg19) VCF-style: chr11-130343143-C-T.
Identifiers: ClinVar variation 708570 (VCV000708570.11), dbSNP rs61753091, ClinGen allele CA6366216.
Genomic context (GRCh38, chr11:130,473,248, plus strand): 5'-TTTCGTGGTGTCGGCGGTGGAGCGGGACCTGGTGGTGAAGGGCAGTCTGCTGCGGTACAG[C>T]GGCACGGGCACAGCGGTGGAGAGCCTGCAGGCTTCCCGGCCCATCCTGGAGCCGCTGACC-3'
Protein context (NP_620686.1, residues 750-770): LVVKGSLLRY[Ser760=]GTGTAVESLQ

ClinVar aggregate classification (germline): Benign/Likely benign. Review status: criteria provided, multiple submitters, no conflicts (2 of 4 stars). 3 submissions from 3 submitters: Benign (2); Likely benign (1). Last evaluated 2026-03-01.

Allele frequency attached by ClinVar (database versions not stated): gnomAD 0.00433 and 0.00438; ExAC 0.00436; gnomAD exomes 0.00440 and 0.00555; TOPMed 0.00458; ESP Exome Variant Server 0.00492; 1000 Genomes Project 0.00539; 1000 Genomes Project 30x 0.00547.
gnomAD v4.1: 8,802 of 1,613,620 alleles (0.55%); highest among the groups gnomAD compares: Middle Eastern, 2.8%; 49 homozygotes.

Submissions (3):

CeGaT Center for Human Genetics Tuebingen
Classification: Likely benign. Last evaluated: 2026-03-01. Review status: criteria provided, single submitter. Criteria: CeGaT Center For Human Genetics Tuebingen Variant Classification Criteria Version 2. Collection method: clinical testing. Allele origin: germline. Affected: yes. Observed: 3 variant alleles.
Comment: ADAMTS15: BP4, BP7, BS2

Labcorp Genetics (formerly Invitae), Labcorp
Classification: Benign. Last evaluated: 2017-11-13. Review status: criteria provided, single submitter. Criteria: Invitae Variant Classification Sherloc (09022015). Collection method: clinical testing. Allele origin: germline.

Breakthrough Genomics
Classification: Benign. Review status: criteria provided, single submitter. Criteria: ACMG Guidelines, 2015. Collection method: not provided. Allele origin: germline. Inheritance: Unknown mechanism. Affected: yes.